The following is an entry in ClinVar:

ClinVar aggregate classification (germline): Pathogenic (1 of 4 stars; one submission).

Allele frequency attached by ClinVar (database versions not stated): gnomAD exomes below 0.00001.
gnomAD v4.1: 4 of 1,613,990 alleles (0.00025%); highest among the groups gnomAD compares: Non-Finnish European, 0.00025%; no homozygotes.

Submission:

Labcorp Genetics (formerly Invitae), Labcorp
Classification: Pathogenic. Last evaluated: 2021-04-24. Review status: criteria provided, single submitter. Criteria: Invitae Variant Classification Sherloc (09022015). Collection method: clinical testing. Allele origin: germline.
Comment: For these reasons, this variant has been classified as Pathogenic. This variant has not been reported in the literature in individuals with SZT2-related conditions. This variant is not present in population databases (ExAC no frequency). This sequence change creates a premature translational stop signal (p.Arg2064*) in the SZT2 gene. It is expected to result in an absent or disrupted protein product. Loss-of-function variants in SZT2 are known to be pathogenic (PMID: 23932106, 27248490, 28556953).

Literature cited by the submitters: PubMed 23932106; PubMed 27248490; PubMed 28556953.

NM_001365999.1(SZT2):c.6361C>T (p.Arg2121Ter)

Gene: SZT2 (SZT2 subunit of KICSTOR complex; plus strand). Cytogenetic location: 1p34.2.
Variant type: single nucleotide variant.
Coding change: c.6361C>T on transcript NM_001365999.1 (MANE Select); coding-DNA position 6361, C replaced by T.
Protein change: p.Arg2121Ter; replaces arginine 2121 with a stop codon.
Molecular consequence: nonsense.
Genome position (GRCh38, 1-based): chr1:43,437,665, C>T. VCF-style: chr1-43437665-C-T. GRCh37 (hg19) VCF-style: chr1-43903336-C-T.
Other names: c.6190C>T, p.Arg2064Ter (NM_015284.4); short protein forms R2064*, R2121*.
Identifiers: ClinVar variation 1457934 (VCV001457934.6), dbSNP rs550692594, ClinGen allele CA21643509.